The following is an entry in ClinVar:

ClinVar aggregate classification (germline): Uncertain significance. Review status: criteria provided, multiple submitters, no conflicts (2 of 4 stars). 2 submissions from 2 submitters: Uncertain significance (2). Last evaluated 2024-09-16.

gnomAD v4.1: 18 of 1,614,186 alleles (0.0011%); highest among the groups gnomAD compares: Non-Finnish European, 0.0014%; no homozygotes.

Submissions (2):

Labcorp Genetics (formerly Invitae), Labcorp
Classification: Uncertain significance. Last evaluated: 2024-09-16. Review status: criteria provided, single submitter. Criteria: Invitae Variant Classification Sherloc (09022015). Collection method: clinical testing. Allele origin: germline.
Comment: This sequence change replaces isoleucine, which is neutral and non-polar, with valine, which is neutral and non-polar, at codon 501 of the ABCC6 protein (p.Ile501Val). This variant is present in population databases (rs772952563, gnomAD 0.0009%). This variant has not been reported in the literature in individuals affected with ABCC6-related conditions. ClinVar contains an entry for this variant (Variation ID: 1433679). Invitae Evidence Modeling of protein sequence and biophysical properties (such as structural, functional, and spatial information, amino acid conservation, physicochemical variation, residue mobility, and thermodynamic stability) indicates that this missense variant is not expected to disrupt ABCC6 protein function with a negative predictive value of 95%. In summary, the available evidence is currently insufficient to determine the role of this variant in disease. Therefore, it has been classified as a Variant of Uncertain Significance.

Blueprint Genetics
Classification: Uncertain significance. Last evaluated: 2021-09-28. Review status: criteria provided, single submitter. Criteria: ACMG Guidelines, 2015. Collection method: clinical testing. Allele origin: germline.

NM_001171.6(ABCC6):c.1501A>G (p.Ile501Val)

Gene: ABCC6 (ATP binding cassette subfamily C member 6; minus strand). Cytogenetic location: 16p13.11.
Variant type: single nucleotide variant.
Coding change: c.1501A>G on transcript NM_001171.6 (MANE Select); coding-DNA position 1501, A replaced by G.
Protein change: p.Ile501Val; replaces isoleucine 501 with valine.
Molecular consequence: missense variant. On other transcripts: non-coding transcript variant (1).
Genome position (GRCh38, 1-based): chr16:16,190,298, T>C on the plus strand (A>G on the coding strand, the complement: ABCC6 is on the minus strand). VCF-style: chr16-16190298-T-C. GRCh37 (hg19) VCF-style: chr16-16284155-T-C.
Other names: c.1159A>G, p.Ile387Val (NM_001351800.1); short protein forms I387V, I501V.
Identifiers: ClinVar variation 1433679 (VCV001433679.7), dbSNP rs772952563, ClinGen allele CA7926283.
Genomic context (GRCh38, chr16:16,190,298, plus strand): 5'-CCTGGCCTCGGATGCCCAGGACTCTGTCCAGAAAGGCTCCCTCCCAGCCATGGAACTTGA[T>C]GGTCTTCGAGTTCCTGAGGATAGAGCTGGTGAGCCGTGCCCGTGAGTCCTTCTGCCTCAT-3'
Protein context (NP_001162.5, residues 491-511): TSSILRNSKT[Ile501Val]KFHGWEGAFL